The following is an entry in ClinVar:

NM_001369.3(DNAH5):c.8080T>G (p.Phe2694Val)

Gene: DNAH5 (dynein axonemal heavy chain 5; minus strand). Cytogenetic location: 5p15.2.
Variant type: single nucleotide variant.
Coding change: c.8080T>G on transcript NM_001369.3 (MANE Select); coding-DNA position 8080, T replaced by G.
Protein change: p.Phe2694Val; replaces phenylalanine 2694 with valine.
Molecular consequence: missense variant.
Genome position (GRCh38, 1-based): chr5:13,793,659, A>C on the plus strand (T>G on the coding strand, the complement: DNAH5 is on the minus strand). VCF-style: chr5-13793659-A-C. GRCh37 (hg19) VCF-style: chr5-13793768-A-C.
Other names: short protein forms F2694V.
Identifiers: ClinVar variation 2084660 (VCV002084660.4), dbSNP rs1272436086, ClinGen allele CA359221442.

ClinVar aggregate classification (germline): Uncertain significance (1 of 4 stars; one submission).

Conditions:
Primary ciliary dyskinesia. Also called: Ciliary dyskinesia. Identifiers: Orphanet 244, MedGen C0008780, MONDO:0016575, HP:0012265.

Allele frequency attached by ClinVar (database versions not stated): gnomAD exomes 0.00001; TOPMed 0.00001; gnomAD 0.00002.
gnomAD v4.1: 11 of 1,613,700 alleles (0.00068%); highest among the groups gnomAD compares: Non-Finnish European, 0.00034%; no homozygotes.

Submission:

Labcorp Genetics (formerly Invitae), Labcorp
Classification: Uncertain significance for Primary ciliary dyskinesia. Last evaluated: 2025-03-31. Review status: criteria provided, single submitter. Criteria: Invitae Variant Classification Sherloc (09022015). Collection method: clinical testing. Allele origin: germline.
Comment: This sequence change replaces phenylalanine, which is neutral and non-polar, with valine, which is neutral and non-polar, at codon 2694 of the DNAH5 protein (p.Phe2694Val). This variant is present in population databases (no rsID available, gnomAD 0.008%). This variant has not been reported in the literature in individuals affected with DNAH5-related conditions. ClinVar contains an entry for this variant (Variation ID: 2084660). Invitae Evidence Modeling of protein sequence and biophysical properties (such as structural, functional, and spatial information, amino acid conservation, physicochemical variation, residue mobility, and thermodynamic stability) indicates that this missense variant is not expected to disrupt DNAH5 protein function with a negative predictive value of 95%. In summary, the available evidence is currently insufficient to determine the role of this variant in disease. Therefore, it has been classified as a Variant of Uncertain Significance.